The following is an entry in ClinVar:

ClinVar aggregate classification (germline): Likely benign (1 of 4 stars; one submission).

Submission:

CeGaT Center for Human Genetics Tuebingen
Classification: Likely benign. Last evaluated: 2025-03-01. Review status: criteria provided, single submitter. Criteria: CeGaT Center For Human Genetics Tuebingen Variant Classification Criteria Version 2. Collection method: clinical testing. Allele origin: germline. Affected: yes. Observed: 1 variant allele.
Comment: EZH2: PM2:Supporting, BP4, BP7

NM_004456.5(EZH2):c.405A>G (p.Gly135=)

Gene: EZH2 (enhancer of zeste 2 polycomb repressive complex 2 subunit; minus strand). Cytogenetic location: 7q36.1.
Variant type: single nucleotide variant.
Coding change: c.405A>G on transcript NM_004456.5 (MANE Select); coding-DNA position 405, A replaced by G.
Protein change: p.Gly135=; no amino-acid change (glycine 135 retained).
Molecular consequence: synonymous variant.
Genome position (GRCh38, 1-based): chr7:148,829,807, T>C on the plus strand (A>G on the coding strand, the complement: EZH2 is on the minus strand). VCF-style: chr7-148829807-T-C. GRCh37 (hg19) VCF-style: chr7-148526899-T-C.
Other names: c.405A>G, p.Gly135= (NM_001203247.2); c.378A>G, p.Gly126= (NM_001203248.2, NM_001203249.2); c.288A>G, p.Gly96= (NM_152998.3).
Identifiers: ClinVar variation 3778341 (VCV003778341.7).